The following is an entry in ClinVar:

NM_006662.3(SRCAP):c.95C>T (p.Pro32Leu)

Gene: SRCAP (Snf2 related CREBBP activator protein; plus strand). Cytogenetic location: 16p11.2.
Variant type: single nucleotide variant.
Coding change: c.95C>T on transcript NM_006662.3 (MANE Select); coding-DNA position 95, C replaced by T.
Protein change: p.Pro32Leu; replaces proline 32 with leucine.
Molecular consequence: missense variant.
Genome position (GRCh38, 1-based): chr16:30,704,104, C>T. VCF-style: chr16-30704104-C-T. GRCh37 (hg19) VCF-style: chr16-30715425-C-T.
Other names: short protein forms P32L.
Identifiers: ClinVar variation 2001020 (VCV002001020.4), dbSNP rs2052799644, ClinGen allele CA395596385.

ClinVar aggregate classification (germline): Uncertain significance (1 of 4 stars; one submission).

Submission:

Labcorp Genetics (formerly Invitae), Labcorp
Classification: Uncertain significance. Last evaluated: 2022-09-18. Review status: criteria provided, single submitter. Criteria: Invitae Variant Classification Sherloc (09022015). Collection method: clinical testing. Allele origin: germline.
Comment: In summary, the available evidence is currently insufficient to determine the role of this variant in disease. Therefore, it has been classified as a Variant of Uncertain Significance. Advanced modeling of protein sequence and biophysical properties (such as structural, functional, and spatial information, amino acid conservation, physicochemical variation, residue mobility, and thermodynamic stability) performed at Invitae indicates that this missense variant is not expected to disrupt SRCAP protein function. This variant has not been reported in the literature in individuals affected with SRCAP-related conditions. This variant is not present in population databases (gnomAD no frequency). This sequence change replaces proline, which is neutral and non-polar, with leucine, which is neutral and non-polar, at codon 32 of the SRCAP protein (p.Pro32Leu).